The following is an entry in ClinVar:

ClinVar aggregate classification (germline): Pathogenic/Likely pathogenic. Review status: criteria provided, multiple submitters, no conflicts (2 of 4 stars). 2 submissions from 2 submitters: Pathogenic (1); Likely pathogenic (1). Last evaluated 2024-06-24.

Conditions:
KMT2C-related NDD.
Kleefstra syndrome 2 (KLEFS2). Identifiers: MedGen C4540395, MONDO:0054701, OMIM 617768.

gnomAD v4.1: 1 of 1,613,504 alleles (0.000062%); highest among the groups gnomAD compares: Non-Finnish European, 0.000085%; no homozygotes.

Submissions (2):

Laboratorio de Genetica e Diagnostico Molecular, Hospital Israelita Albert Einstein
Classification: Likely pathogenic for Kleefstra syndrome 2. Last evaluated: 2024-06-24. Review status: criteria provided, single submitter. Criteria: ACMG Guidelines, 2015. Collection method: clinical testing. Allele origin: germline. Affected: yes.
Comment: ACMG classification criteria: PVS1 very strong, PM2 supporting

Laboratory of Genetics, Children's Clinical University Hospital Latvia
Classification: Pathogenic for KMT2C-related NDD. Review status: criteria provided, single submitter. Criteria: ACMG Guidelines, 2015. Collection method: research. Allele origin: de novo. Affected: yes.

Literature cited by the submitters: PubMed 39013459 (cited by Laboratory of Genetics, Children's Clinical University Hospital Latvia).

NM_170606.3(KMT2C):c.11983C>T (p.Arg3995Ter)

Gene: KMT2C (lysine methyltransferase 2C; minus strand). Cytogenetic location: 7q36.1.
Variant type: single nucleotide variant.
Coding change: c.11983C>T on transcript NM_170606.3 (MANE Select); coding-DNA position 11983, C replaced by T.
Protein change: p.Arg3995Ter; replaces arginine 3995 with a stop codon.
Molecular consequence: nonsense.
Genome position (GRCh38, 1-based): chr7:152,154,423, G>A on the plus strand (C>T on the coding strand, the complement: KMT2C is on the minus strand). VCF-style: chr7-152154423-G-A. GRCh37 (hg19) VCF-style: chr7-151851508-G-A.
Other names: short protein forms R3995*.
Identifiers: ClinVar variation 3236499 (VCV003236499.2).
Genomic context (GRCh38, chr7:152,154,423, plus strand): 5'-CTTCTACCCCAACCACACTCTCAGGAGAGGATGAGGGAACAAAACTGTCAGGAGTATCTC[G>A]ATCACCACAGTGATCCTGTATCCTGAAAAAACATAAACACACACATCAAAGTCTGCAAAT-3'